The following is an entry in ClinVar:

NM_000256.3(MYBPC3):c.2942A>C (p.Gln981Pro)

Gene: MYBPC3 (myosin binding protein C3; minus strand). Cytogenetic location: 11p11.2.
Variant type: single nucleotide variant.
Coding change: c.2942A>C on transcript NM_000256.3 (MANE Select); coding-DNA position 2942, A replaced by C.
Protein change: p.Gln981Pro; replaces glutamine 981 with proline.
Molecular consequence: missense variant.
Genome position (GRCh38, 1-based): chr11:47,333,974, T>G on the plus strand (A>C on the coding strand, the complement: MYBPC3 is on the minus strand). VCF-style: chr11-47333974-T-G. GRCh37 (hg19) VCF-style: chr11-47355525-T-G.
Other names: p.Q981P:CAG>CCG; c.2942A>C, p.Gln981Pro (LRG_386t1); short protein forms Q981P.
Identifiers: ClinVar variation 180991 (VCV000180991.6), dbSNP rs730880582, ClinGen allele CA013214.

ClinVar aggregate classification (germline): Conflicting classifications of pathogenicity. Review status: criteria provided, conflicting classifications (1 of 4 stars). 3 submissions from 3 submitters: Likely pathogenic (1); Uncertain significance (2). Last evaluated 2019-12-30.

Conditions:
Cardiomyopathy (CMYO). Also called: Cardiomyopathies. Identifiers: Orphanet 167848, MedGen C0878544, MONDO:0004994, HP:0001638. Inheritance: Various modes of inheritance.

Submissions (3):

Color Diagnostics, LLC DBA Color Health
Classification: Uncertain significance for Cardiomyopathy. Last evaluated: 2019-12-30. Review status: criteria provided, single submitter. Criteria: ACMG Guidelines, 2015. Collection method: clinical testing. Allele origin: germline.
Comment: This missense variant replaces glutamine with proline at codon 981 of the MYBPC3 protein. Computational prediction is inconclusive regarding the impact of this variant on protein structure and function (internally defined REVEL score threshold 0.5 < inconclusive < 0.7, PMID: 27666373). Splice site prediction tools suggest that this variant may not impact RNA splicing. To our knowledge, functional studies have not been performed for this variant. This variant has not been reported in individuals affected with cardiovascular disorders in the literature. This variant has not been identified in the general population by the Genome Aggregation Database (gnomAD). The available evidence is insufficient to determine the role of this variant in disease conclusively. Therefore, this variant is classified as a Variant of Uncertain Significance.

Stanford Center for Inherited Cardiovascular Disease, Stanford University
Classification: Uncertain significance. Last evaluated: 2014-04-04. Review status: criteria provided, single submitter. Criteria: ACMG Guidelines, 2015. Collection method: provider interpretation. Allele origin: germline.

GeneDx
Classification: Likely pathogenic. Last evaluated: 2013-08-12. Review status: criteria provided, single submitter. Criteria: GeneDx Variant Classification (06012015). Collection method: clinical testing. Allele origin: germline. Affected: yes.
Comment: This variant is denoted p.Gln981Pro (CAG>CCG): c.2942 A>C in exon 28 of the MYBPC3 gene (NM_000256.3). The Gln981Pro variant in the MYBPC3 gene has not been reported as a disease-causing mutation or as a benign polymorphism to our knowledge. Gln981Pro results in a non-conservative amino acid substitution of a polar Glutamine to a non-polar Proline at a position that is conserved across species. In silico analysis predicts Gln981Pro is damaging to the protein structure/function. A mutation in nearby residue (Pro976Arg) has been reported in association with cardiomyopathy, further supporting the functional importance of this region of the protein. Furthermore, the Gln981Pro variant was not observed in approximately 6,000 individuals of European and African American ancestry in the NHLBI Exome Sequencing Project, indicating it is not a common benign variant in these populations. In summary, while Gln981Pro is a good candidate for a disease-causing mutation, with the clinical and molecular information available at this time we cannot unequivocally determine the clinical significance of this variant. The variant is found in DCM panel(s).